The following is an entry in ClinVar:

ClinVar aggregate classification (germline): Pathogenic. Review status: criteria provided, multiple submitters, no conflicts (2 of 4 stars). 4 submissions from 4 submitters: Pathogenic (3). 1 of the submissions does not count toward it. Last evaluated 2026-01-18.

Conditions:
TYR-related disorder. Also called: TYR-related condition.
SKIN/HAIR/EYE PIGMENTATION 3, LIGHT/DARK SKIN (SHEP3). Also called: SKIN/HAIR/EYE PIGMENTATION 3, BLUE/GREEN EYE COLOR; SKIN/HAIR/EYE PIGMENTATION 3, FRECKLING; SKIN/HAIR/EYE PIGMENTATION, VARIATION IN, 3; EYE COLOR 1; EYE COLOR, GREEN/BLUE. Identifiers: MedGen C2677190, OMIM 601800.

gnomAD v4.1: 2 of 1,611,106 alleles (0.00012%); highest among the groups gnomAD compares: South Asian, 0.0011%; no homozygotes.

Submissions (4):

Labcorp Genetics (formerly Invitae), Labcorp
Classification: Pathogenic. Last evaluated: 2026-01-18. Review status: criteria provided, single submitter. Criteria: Invitae Variant Classification Sherloc (09022015). Collection method: clinical testing. Allele origin: germline.
Comment: This sequence change creates a premature translational stop signal (p.Gln453*) in the TYR gene. While this is not anticipated to result in nonsense mediated decay, it is expected to disrupt the last 77 amino acid(s) of the TYR protein. This variant is present in population databases (rs62645924, gnomAD 0.003%). This premature translational stop signal has been observed in individual(s) with oculocutaneous albinism (PMID: 1487241). ClinVar contains an entry for this variant (Variation ID: 99547). This variant disrupts a region of the TYR protein in which other variant(s) (p.Ala490Cysfs*20) have been determined to be pathogenic (PMID: 1642278, 1711223, 13680365, 18463683). This suggests that this is a clinically significant region of the protein, and that variants that disrupt it are likely to be disease-causing. For these reasons, this variant has been classified as Pathogenic.

PreventionGenetics, part of Exact Sciences
Classification: Pathogenic for TYR-related condition. Last evaluated: 2025-12-30. Review status: criteria provided, single submitter. Criteria: ACMG Guidelines, 2015. Collection method: clinical testing. Allele origin: germline.
Comment: The TYR c.1357C>T variant is predicted to result in premature protein termination (p.Gln453*). This variant has been reported an individual with oculocutaneous albinism (Oetting et al. 1992. PubMed ID: 1487241) and in an individual from an inherited retinal disease cohort (Lin et al. 2024. PubMed ID: 38219857). This variant is reported in 0.0033% of alleles in individuals of South Asian descent in gnomAD. Nonsense variants in TYR are expected to be pathogenic. This variant is interpreted as pathogenic.

Baylor Genetics
Classification: Pathogenic for SKIN/HAIR/EYE PIGMENTATION 3, LIGHT/DARK SKIN. Last evaluated: 2023-08-16. Review status: criteria provided, single submitter. Criteria: ACMG Guidelines, 2015. Collection method: clinical testing. Allele origin: unknown.

Retina International
No classification provided. Review status: no classification provided. Collection method: not provided. Allele origin: not provided. Not counted in ClinVar's aggregate classification.

Literature cited by the submitters: PubMed 1487241 (cited by Labcorp Genetics (formerly Invitae), Labcorp); PubMed 1642278 (cited by Labcorp Genetics (formerly Invitae), Labcorp); PubMed 1711223 (cited by Labcorp Genetics (formerly Invitae), Labcorp); PubMed 13680365 (cited by Labcorp Genetics (formerly Invitae), Labcorp); PubMed 18463683 (cited by Labcorp Genetics (formerly Invitae), Labcorp).

NM_000372.5(TYR):c.1357C>T (p.Gln453Ter)

Gene: TYR (tyrosinase; plus strand). Cytogenetic location: 11q14.3.
Variant type: single nucleotide variant.
Coding change: c.1357C>T on transcript NM_000372.5 (MANE Select); coding-DNA position 1357, C replaced by T.
Protein change: p.Gln453Ter; replaces glutamine 453 with a stop codon.
Molecular consequence: nonsense.
Genome position (GRCh38, 1-based): chr11:89,284,945, C>T. VCF-style: chr11-89284945-C-T. GRCh37 (hg19) VCF-style: chr11-89018113-C-T.
Other names: short protein forms Q453*.
Identifiers: ClinVar variation 99547 (VCV000099547.4), dbSNP rs62645924, ClinGen allele CA227527.